The following is an entry in ClinVar:

ClinVar aggregate classification (germline): Likely benign (1 of 4 stars; one submission).

gnomAD v4.1: 4 of 1,550,438 alleles (0.00026%); highest among the groups gnomAD compares: Admixed American, 0.0059%; no homozygotes.

Submission:

CeGaT Center for Human Genetics Tuebingen
Classification: Likely benign. Last evaluated: 2026-09-01. Review status: criteria provided, single submitter. Criteria: CeGaT Center For Human Genetics Tuebingen Variant Classification Criteria Version 2. Collection method: clinical testing. Allele origin: germline. Affected: yes. Observed: 1 variant allele.
Comment: KCNA2: BP4, BP7

NM_004974.4(KCNA2):c.*1181C>T

Gene: KCNA2 (potassium voltage-gated channel subfamily A member 2; minus strand). Cytogenetic location: 1p13.3.
Variant type: single nucleotide variant.
Coding change: c.*1181C>T on transcript NM_004974.4 (MANE Select); 1181 bases downstream of the stop codon, C replaced by T.
Molecular consequence: 3 prime UTR variant. On other transcripts: synonymous variant (1).
Genome position (GRCh38, 1-based): chr1:110,602,102, G>A on the plus strand (C>T on the coding strand, the complement: KCNA2 is on the minus strand). VCF-style: chr1-110602102-G-A. GRCh37 (hg19) VCF-style: chr1-111144724-G-A.
Other names: c.963C>T, p.Cys321= (NM_001204269.2).
Identifiers: ClinVar variation 5041753 (VCV005041753.1).